The following is an entry in ClinVar:

ClinVar aggregate classification (germline): Pathogenic. Review status: criteria provided, multiple submitters, no conflicts (2 of 4 stars). 4 submissions from 4 submitters: Pathogenic (3). 1 of the submissions does not count toward it. Last evaluated 2026-01-09.

Conditions:
Neuronal ceroid lipofuscinosis. Also called: Neuronal Ceroid Lipofuscinoses. Identifiers: Orphanet 216, Orphanet 79263, MedGen C0027877, MONDO:0016295. Disease mechanism: loss of function.
Neuronal ceroid lipofuscinosis 2. Also called: TPP1-Related Neuronal Ceroid-Lipofuscinosis; JANSKY-BIELSCHOWSKY DISEASE NEURONAL CEROID LIPOFUSCINOSIS, LATE INFANTILE. Identifiers: Orphanet 168491, Orphanet 228349, Orphanet 79264, MedGen C1876161, MONDO:0008769, OMIM 204500.

Allele frequency attached by ClinVar (database versions not stated): TOPMed 0.00001; gnomAD 0.00002.
gnomAD v4.1: 3 of 1,613,598 alleles (0.00019%); highest among the groups gnomAD compares: African/African-American, 0.0027%; no homozygotes.

Submissions (4):

Labcorp Genetics (formerly Invitae), Labcorp
Classification: Pathogenic. Last evaluated: 2026-01-09. Review status: criteria provided, single submitter. Criteria: Invitae Variant Classification Sherloc (09022015). Collection method: clinical testing. Allele origin: germline.
Comment: This sequence change affects codon 77 of the TPP1 mRNA. It is a 'silent' change, meaning that it does not change the encoded amino acid sequence of the TPP1 protein. This variant also falls at the last nucleotide of exon 3, which is part of the consensus splice site for this exon. This variant is not present in population databases (gnomAD no frequency). This variant has been observed in individual(s) with neuronal ceroid lipofuscinosis (PMID: 10330339, 21990111). In at least one individual the data is consistent with being in trans (on the opposite chromosome) from a pathogenic variant. ClinVar contains an entry for this variant (Variation ID: 68744). An algorithm developed to predict the effect of missense changes on protein structure and function (PolyPhen-2) suggests that this variant is likely to be disruptive. Experimental studies have shown that this variant affects TPP1 function (PMID: 20340139). Variants that disrupt the consensus splice site are a relatively common cause of aberrant splicing (PMID: 17576681, 9536098). Algorithms developed to predict the effect of sequence changes on RNA splicing suggest that this variant may disrupt the consensus splice site. For these reasons, this variant has been classified as Pathogenic.

Natera, Inc.
Classification: Pathogenic for Neuronal ceroid lipofuscinosis 2. Last evaluated: 2024-11-17. Review status: criteria provided, single submitter. Criteria: Natera Variant Classification Schema (03/2026). Collection method: clinical testing. Allele origin: germline.
Comment: The c.229G>A variant in TPP1 is a missense variant predicted to cause substitution of glycine to arginine at amino acid 77. This variant is rare in the general population with a frequency below the threshold expected for the associated phenotype(s). This variant has been observed in one or more individuals affected with the associated recessive disease, as either homozygous or compound heterozygous with a second variant (PMID: 10330339). Functional studies show that this variant may disrupt protein function (PMID: 20340139). Another variant at this same site results in an alteration predicted to cause a similar molecular effect has been observed in individual(s) with the associated phenotype. Computational prediction algorithms indicate this variant is likely to affect gene or protein function. Given the available evidence, this variant is classified as Pathogenic.

Women's Health and Genetics/Laboratory Corporation of America, LabCorp
Classification: Pathogenic for Neuronal ceroid lipofuscinosis. Last evaluated: 2021-09-15. Review status: criteria provided, single submitter. Criteria: LabCorp Variant Classification Summary - May 2015. Collection method: clinical testing. Allele origin: germline.
Comment: Variant summary: TPP1 c.229G>A (p.Gly77Arg) results in a non-conservative amino acid change located in the Peptidase S53, activation domain of the encoded protein sequence. Five of five in-silico tools predict a damaging effect of the variant on protein function. The variant was absent in 250960 control chromosomes. c.229G>A has been reported in the literature in individuals affected with Late-Infantile Neuronal Ceroid-Lipofuscinoses (Sleat_1999, Wisniewski_2001, Kousi_2011, Nickel_2018). Functional studies showed the variant with total cellular activity in expressing cells at about 1% of wild-type TPPI value and both the folding difficulties and impaired specific activity may underlie the disease process in subjects carrying the p.Gly77Arg mutation (Sleat_1999; Wisniewski_2001; Walus_2010). No clinical diagnostic laboratories have submitted clinical-significance assessments for this variant to ClinVar after 2014. Based on the evidence outlined above, the variant was classified as pathogenic.

UniProtKB/Swiss-Prot
No classification provided. Condition: Ceroid lipofuscinosis, neuronal, 2. Review status: no classification provided. Collection method: not provided. Allele origin: not provided. Not counted in ClinVar's aggregate classification.

Literature cited by the submitters: PubMed 10330339 (cited by 3 submitters); PubMed 21990111 (cited by Labcorp Genetics (formerly Invitae), Labcorp and Women's Health and Genetics/Laboratory Corporation of America, LabCorp); PubMed 20340139 (cited by 3 submitters); PubMed 17576681 (cited by Labcorp Genetics (formerly Invitae), Labcorp); PubMed 9536098 (cited by Labcorp Genetics (formerly Invitae), Labcorp); PubMed 11589013 (cited by Women's Health and Genetics/Laboratory Corporation of America, LabCorp); PubMed 23418007 (cited by Women's Health and Genetics/Laboratory Corporation of America, LabCorp); PubMed 19038966 (cited by Women's Health and Genetics/Laboratory Corporation of America, LabCorp); PubMed 30119717 (cited by Women's Health and Genetics/Laboratory Corporation of America, LabCorp).

NM_000391.4(TPP1):c.229G>A (p.Gly77Arg)

Gene: TPP1 (tripeptidyl peptidase 1; minus strand). Cytogenetic location: 11p15.4.
Variant type: single nucleotide variant.
Coding change: c.229G>A on transcript NM_000391.4 (MANE Select); coding-DNA position 229, G replaced by A.
Protein change: p.Gly77Arg; replaces glycine 77 with arginine.
Molecular consequence: missense variant.
Genome position (GRCh38, 1-based): chr11:6,618,776, C>T on the plus strand (G>A on the coding strand, the complement: TPP1 is on the minus strand). VCF-style: chr11-6618776-C-T. GRCh37 (hg19) VCF-style: chr11-6640007-C-T.
Other names: 1950G>A; short protein forms G77R.
Identifiers: ClinVar variation 68744 (VCV000068744.10), dbSNP rs121908195, ClinGen allele CA266187.
Genomic context (GRCh38, chr11:6,618,776, plus strand): 5'-CAACCCAGCCCTGTGTCCCTCCACCGCATCCCACATCCTGTCCTCAGTCCCAAAAGGCAC[C>T]GTATTGAGGAGAGCTGGGATCCGACACAGCCTGCACCAGCTCCGAGAGTCTTTCCACATT-3'
Protein context (NP_000382.3, residues 67-87): AVSDPSSPQY[Gly77Arg]KYLTLENVAD